The following is an entry in ClinVar:

NM_173630.4(RTTN):c.2585T>C (p.Ile862Thr)

Gene: RTTN (rotatin; minus strand). Cytogenetic location: 18q22.2.
Variant type: single nucleotide variant.
Coding change: c.2585T>C on transcript NM_173630.4 (MANE Select); coding-DNA position 2585, T replaced by C.
Protein change: p.Ile862Thr; replaces isoleucine 862 with threonine.
Molecular consequence: missense variant. On other transcripts: intron variant (1).
Genome position (GRCh38, 1-based): chr18:70,140,185, A>G on the plus strand (T>C on the coding strand, the complement: RTTN is on the minus strand). VCF-style: chr18-70140185-A-G. GRCh37 (hg19) VCF-style: chr18-67807421-A-G.
Other names: c.-66-469T>C (NM_001318520.2); c.2585T>C (NM_173630.3); short protein forms I862T.
Identifiers: ClinVar variation 2881083 (VCV002881083.4), dbSNP rs1257092334, ClinGen allele CA402691898.
Genomic context (GRCh38, chr18:70,140,185, plus strand): 5'-TTTAAATACTCAATTATTTTGTCAATTAAGCATAACTTTTTCACCACAGCATGCATTTTA[A>G]TATCTGTAGATAAAAAAAGTTACTAAAAGTTAAAGCACATTTTTTGTAGTTTAAAACACG-3'
Protein context (NP_775901.3, residues 852-872): AEQLAVIMQD[Ile862Thr]KMHAVVKKLC

ClinVar aggregate classification (germline): Uncertain significance. Review status: criteria provided, multiple submitters, no conflicts (2 of 4 stars). 2 submissions from 2 submitters: Uncertain significance (2). Last evaluated 2025-04-11.

Conditions:
Inborn genetic diseases. Identifiers: MedGen C0950123, MeSH D030342.

Allele frequency attached by ClinVar (database versions not stated): gnomAD 0.00001; TOPMed 0.00001.
gnomAD v4.1: 6 of 1,533,556 alleles (0.00039%); highest among the groups gnomAD compares: East Asian, 0.0023%; no homozygotes.

Submissions (2):

Ambry Genetics
Classification: Uncertain significance for Inborn genetic diseases. Last evaluated: 2025-04-11. Review status: criteria provided, single submitter. Criteria: Ambry Variant Classification Scheme 2023. Collection method: clinical testing. Allele origin: germline.

Labcorp Genetics (formerly Invitae), Labcorp
Classification: Uncertain significance. Last evaluated: 2025-02-10. Review status: criteria provided, single submitter. Criteria: Invitae Variant Classification Sherloc (09022015). Collection method: clinical testing. Allele origin: germline.
Comment: This sequence change replaces isoleucine, which is neutral and non-polar, with threonine, which is neutral and polar, at codon 862 of the RTTN protein (p.Ile862Thr). This variant is present in population databases (no rsID available, gnomAD 0.004%). This variant has not been reported in the literature in individuals affected with RTTN-related conditions. ClinVar contains an entry for this variant (Variation ID: 2881083). Invitae Evidence Modeling of protein sequence and biophysical properties (such as structural, functional, and spatial information, amino acid conservation, physicochemical variation, residue mobility, and thermodynamic stability) indicates that this missense variant is not expected to disrupt RTTN protein function with a negative predictive value of 80%. In summary, the available evidence is currently insufficient to determine the role of this variant in disease. Therefore, it has been classified as a Variant of Uncertain Significance.